The following is an entry in ClinVar:

NM_000264.5(PTCH1):c.2197T>C (p.Ser733Pro)

Genes: PTCH1 (patched 1; minus strand), LOC100507346 (uncharacterized LOC100507346; plus strand). Cytogenetic location: 9q22.32.
Variant type: single nucleotide variant.
Coding change: c.2197T>C on transcript NM_000264.5 (MANE Select); coding-DNA position 2197, T replaced by C.
Protein change: p.Ser733Pro; replaces serine 733 with proline.
Molecular consequence: missense variant. On other transcripts: non-coding transcript variant (2).
Genome position (GRCh38, 1-based): chr9:95,468,804, A>G on the plus strand (T>C on the coding strand, the complement: PTCH1 is on the minus strand). VCF-style: chr9-95468804-A-G. GRCh37 (hg19) VCF-style: chr9-98231086-A-G.
Other names: c.1999T>C, p.Ser667Pro (NM_001083602.3); c.2194T>C, p.Ser732Pro (NM_001083603.3); c.1744T>C, p.Ser582Pro (NM_001083604.3, NM_001083605.3, NM_001083606.3 and 1 more transcripts); c.2041T>C, p.Ser681Pro (NM_001354918.2); c.2197T>C (NM_000264.3); short protein forms S582P, S667P, S681P, S733P, S732P.
Identifiers: ClinVar variation 1487984 (VCV001487984.9), dbSNP rs2118028468, ClinGen allele CA374115362.

ClinVar aggregate classification (germline): Uncertain significance. Review status: criteria provided, multiple submitters, no conflicts (2 of 4 stars). 2 submissions from 2 submitters: Uncertain significance (2). Last evaluated 2024-11-12.

Conditions:
Gorlin syndrome. Also called: Nevoid Basal Cell Carcinoma Syndrome; Basal cell nevus syndrome. Identifiers: Orphanet 377, MedGen C0004779, MONDO:0007187.
Hereditary cancer-predisposing syndrome. Also called: Neoplastic Syndromes, Hereditary; Tumor predisposition; Hereditary neoplastic syndrome; Hereditary Cancer Syndrome. Identifiers: Orphanet 140162, MedGen C0027672, MeSH D009386, MONDO:0015356.

Submissions (2):

Ambry Genetics
Classification: Uncertain significance for Hereditary cancer-predisposing syndrome. Last evaluated: 2024-11-12. Review status: criteria provided, single submitter. Criteria: Ambry Variant Classification Scheme 2023. Collection method: clinical testing. Allele origin: germline.
Comment: The p.S733P variant (also known as c.2197T>C), located in coding exon 14 of the PTCH1 gene, results from a T to C substitution at nucleotide position 2197. The serine at codon 733 is replaced by proline, an amino acid with similar properties. This amino acid position is conserved. In addition, the in silico prediction for this alteration is inconclusive. Based on the available evidence, the clinical significance of this variant remains unclear.

Labcorp Genetics (formerly Invitae), Labcorp
Classification: Uncertain significance for Gorlin syndrome. Last evaluated: 2020-12-10. Review status: criteria provided, single submitter. Criteria: Invitae Variant Classification Sherloc (09022015). Collection method: clinical testing. Allele origin: germline.
Comment: In summary, the available evidence is currently insufficient to determine the role of this variant in disease. Therefore, it has been classified as a Variant of Uncertain Significance. Advanced modeling of protein sequence and biophysical properties (such as structural, functional, and spatial information, amino acid conservation, physicochemical variation, residue mobility, and thermodynamic stability) performed at Invitae indicates that this missense variant is not expected to disrupt PTCH1 protein function. This variant has not been reported in the literature in individuals with PTCH1-related conditions. This variant is not present in population databases (ExAC no frequency). This sequence change replaces serine with proline at codon 733 of the PTCH1 protein (p.Ser733Pro). The serine residue is weakly conserved and there is a moderate physicochemical difference between serine and proline.